The following is an entry in ClinVar:

NM_000369.5(TSHR):c.1721C>G (p.Thr574Ser)

Genes: TSHR (thyroid stimulating hormone receptor; plus strand), TSHR-AS1 (TSHR antisense RNA 1; minus strand). Cytogenetic location: 14q31.1.
Variant type: single nucleotide variant.
Coding change: c.1721C>G on transcript NM_000369.5 (MANE Select); coding-DNA position 1721, C replaced by G.
Protein change: p.Thr574Ser; replaces threonine 574 with serine.
Molecular consequence: missense variant.
Genome position (GRCh38, 1-based): chr14:81,143,779, C>G. VCF-style: chr14-81143779-C-G. GRCh37 (hg19) VCF-style: chr14-81610123-C-G.
Other names: short protein forms T574S.
Identifiers: ClinVar variation 135395 (VCV000135395.7), dbSNP rs61742289, ClinGen allele CA162634.

ClinVar aggregate classification (germline): Likely benign. Review status: criteria provided, single submitter (1 of 4 stars). 2 submissions from 2 submitters: Likely benign (1). 1 of the submissions does not count toward it. Last evaluated 2025-01-23.

Allele frequency attached by ClinVar (database versions not stated): gnomAD exomes 0.00045; ExAC 0.00052; 1000 Genomes Project 30x 0.00109; 1000 Genomes Project 0.00120; gnomAD 0.00158 and 0.00171; TOPMed 0.00199; ESP Exome Variant Server 0.00200.
gnomAD v4.1: 480 of 1,614,126 alleles (0.03%); highest among the groups gnomAD compares: African/African-American, 0.58%; 4 homozygotes.

Submissions (2):

Labcorp Genetics (formerly Invitae), Labcorp
Classification: Likely benign. Last evaluated: 2025-01-23. Review status: criteria provided, single submitter. Criteria: Invitae Variant Classification Sherloc (09022015). Collection method: clinical testing. Allele origin: germline.

ITMI
No classification provided. Condition: AllHighlyPenetrant. Last evaluated: 2013-09-19. Review status: no classification provided. Collection method: reference population. Allele origin: germline. Not counted in ClinVar's aggregate classification.
Comment: Please see associated publication for description of ethnicities

Literature cited by the submitters: PubMed 24728327 (cited by ITMI).